The following is an entry in ClinVar:

ClinVar aggregate classification (germline): Uncertain significance (1 of 4 stars; one submission).

Submission:

Labcorp Genetics (formerly Invitae), Labcorp
Classification: Uncertain significance. Last evaluated: 2022-10-17. Review status: criteria provided, single submitter. Criteria: Invitae Variant Classification Sherloc (09022015). Collection method: clinical testing. Allele origin: germline.
Comment: This sequence change creates a premature translational stop signal (p.Ser827Glnfs*11) in the AP3D1 gene. It is expected to result in an absent or disrupted protein product. However, the current clinical and genetic evidence is not sufficient to establish whether loss-of-function variants in AP3D1 cause disease. This variant is not present in population databases (gnomAD no frequency). This variant has not been reported in the literature in individuals affected with AP3D1-related conditions. In summary, the available evidence is currently insufficient to determine the role of this variant in disease. Therefore, it has been classified as a Variant of Uncertain Significance.

NM_001261826.3(AP3D1):c.2478del (p.Ser827fs)

Gene: AP3D1 (adaptor related protein complex 3 subunit delta 1; minus strand). Cytogenetic location: 19p13.3.
Variant type: Deletion.
Coding change: c.2478del on transcript NM_001261826.3 (MANE Select); coding-DNA position 2478, one base deleted (C; older notation c.2478delC).
Protein change: p.Ser827fs; shifts the reading frame from serine 827.
Molecular consequence: frameshift variant.
Genome position (GRCh38, 1-based): chr19:2,114,248, G deleted on the plus strand (C on the coding strand, the reverse complement: AP3D1 is on the minus strand); the first of 2 consecutive G bases (chr19:2,114,248-2,114,249); deleting either gives the same sequence. VCF-style (leftmost placement, unchanged base first): chr19-2114247-AG-A. GRCh37 (hg19) VCF-style: chr19-2114246-AG-A.
Other names: c.2478del, p.Ser827fs (NM_001374799.1, NM_003938.8); short protein forms S827fs.
Identifiers: ClinVar variation 2091736 (VCV002091736.4), dbSNP rs2512148096, ClinGen allele CA2580096176.